The following is an entry in ClinVar:

NM_000038.6(APC):c.2659A>G (p.Ile887Val)

Gene: APC (APC regulator of Wnt signaling pathway; plus strand). Cytogenetic location: 5q22.2.
Variant type: single nucleotide variant.
Coding change: c.2659A>G on transcript NM_000038.6 (MANE Select); coding-DNA position 2659, A replaced by G.
Protein change: p.Ile887Val; replaces isoleucine 887 with valine.
Molecular consequence: missense variant.
Genome position (GRCh38, 1-based): chr5:112,838,253, A>G. VCF-style: chr5-112838253-A-G. GRCh37 (hg19) VCF-style: chr5-112173950-A-G.
Other names: p.I887V:ATT>GTT; c.2659A>G, p.Ile887Val (NM_001127510.3, NM_001354895.2); c.2605A>G, p.Ile869Val (NM_001127511.3); c.2713A>G, p.Ile905Val (NM_001354896.2); c.2689A>G, p.Ile897Val (NM_001354897.2); c.2584A>G, p.Ile862Val (NM_001354898.2); c.2575A>G, p.Ile859Val (NM_001354899.2); c.2536A>G, p.Ile846Val (NM_001354900.2); and 6 more; short protein forms I869V, I887V, I727V, I846V, I862V, I604V, I786V, I859V.
Identifiers: ClinVar variation 181795 (VCV000181795.22), dbSNP rs730881241, ClinGen allele CA007723.

ClinVar aggregate classification (germline): Uncertain significance. Review status: criteria provided, multiple submitters, no conflicts (2 of 4 stars). 6 submissions from 6 submitters: Uncertain significance (5). 1 of the submissions does not count toward it. Last evaluated 2025-07-24.

Conditions:
Hereditary cancer-predisposing syndrome. Also called: Tumor predisposition; Hereditary Cancer Syndrome; Hereditary neoplastic syndrome; Neoplastic Syndromes, Hereditary. Identifiers: Orphanet 140162, MedGen C0027672, MeSH D009386, MONDO:0015356.
Classic or attenuated familial adenomatous polyposis. Identifiers: MedGen CN372698, MONDO:0021057.
Familial adenomatous polyposis 1 (FAP1). Also called: FAMILIAL ADENOMATOUS POLYPOSIS 1, ATTENUATED; POLYPOSIS, ADENOMATOUS INTESTINAL. Identifiers: MedGen C2713442, MONDO:0021056, OMIM 175100. Disease mechanism: loss of function.

Allele frequency attached by ClinVar (database versions not stated): gnomAD exomes below 0.00001; TOPMed below 0.00001.
gnomAD v4.1: 7 of 1,614,230 alleles (0.00043%); highest among the groups gnomAD compares: Non-Finnish European, 0.00059%; no homozygotes.

Submissions (6):

Ambry Genetics
Classification: Uncertain significance for Hereditary cancer-predisposing syndrome. Last evaluated: 2025-07-24. Review status: criteria provided, single submitter. Criteria: Ambry Variant Classification Scheme 2023. Collection method: clinical testing. Allele origin: germline.
Comment: The p.I887V variant (also known as c.2659A>G), located in coding exon 15 of the APC gene, results from an A to G substitution at nucleotide position 2659. The isoleucine at codon 887 is replaced by valine, an amino acid with highly similar properties. This amino acid position is highly conserved in available vertebrate species. In addition, in silico predictors for this gene do not accurately predict pathogenicity. Since supporting evidence is limited at this time, the clinical significance of this alteration remains unclear.

Labcorp Genetics (formerly Invitae), Labcorp
Classification: Uncertain significance for Familial adenomatous polyposis 1. Last evaluated: 2023-12-27. Review status: criteria provided, single submitter. Criteria: Invitae Variant Classification Sherloc (09022015). Collection method: clinical testing. Allele origin: germline.
Comment: This sequence change replaces isoleucine, which is neutral and non-polar, with valine, which is neutral and non-polar, at codon 887 of the APC protein (p.Ile887Val). This variant is not present in population databases (gnomAD no frequency). This variant has not been reported in the literature in individuals affected with APC-related conditions. ClinVar contains an entry for this variant (Variation ID: 181795). Advanced modeling of protein sequence and biophysical properties (such as structural, functional, and spatial information, amino acid conservation, physicochemical variation, residue mobility, and thermodynamic stability) performed at Invitae indicates that this missense variant is not expected to disrupt APC protein function with a negative predictive value of 95%. In summary, the available evidence is currently insufficient to determine the role of this variant in disease. Therefore, it has been classified as a Variant of Uncertain Significance.

All of Us Research Program, National Institutes of Health
Classification: Uncertain significance for Classic or attenuated familial adenomatous polyposis. Last evaluated: 2023-08-28. Review status: criteria provided, single submitter. Criteria: ACMG Guidelines, 2015. Collection method: clinical testing. Allele origin: germline. Inheritance: Autosomal dominant inheritance. Observed: 1 variant allele, 1 heterozygote.
Comment: This missense variant replaces isoleucine with valine at codon 887 of the APC protein. Computational prediction is inconclusive regarding the impact of this variant on protein structure and function (internally defined REVEL score threshold 0.5 < inconclusive < 0.7, PMID: 27666373). To our knowledge, functional studies have not been reported for this variant. This variant has not been reported in individuals affected with APC-related disorders in the literature. This variant has not been identified in the general population by the Genome Aggregation Database (gnomAD). The available evidence is insufficient to determine the role of this variant in disease conclusively. Therefore, this variant is classified as a Variant of Uncertain Significance.

This study involves interpretation of variants in research participants for the purpose of population health screening. Participant phenotype was not available at the time of variant classification. Additional details can be found in publication PMID: 35346344, PMCID: PMC8962531

Myriad Genetics, Inc.
Classification: Uncertain significance for Familial adenomatous polyposis 1. Last evaluated: 2023-02-17. Review status: criteria provided, single submitter. Criteria: Myriad Autosomal Dominant, Autosomal Recessive and X-Linked Classification Criteria (2023). Collection method: clinical testing. Allele origin: unknown.
Comment: This variant is classified as a variant of uncertain significance as there is insufficient evidence to determine its impact on protein function and/or cancer risk.

GeneDx
Classification: Uncertain significance. Last evaluated: 2014-10-15. Review status: criteria provided, single submitter. Criteria: GeneDx Variant Classification (06012015). Collection method: clinical testing. Allele origin: germline. Affected: yes.
Comment: This variant is denoted APC c.2659A>G at the cDNA level, p.Ile887Val (I887V) at the protein level, and results in the change of an Isoleucine to a Valine (ATT>GTT). This variant has not, to our knowledge, been published in the literature as pathogenic or benign. APC Ile887Val was not observed in approximately 6,500 individuals of European and African American ancestry in the NHLBI Exome Sequencing Project, indicating it is not a common benign variant in these populations. Since Isoleucine and Valine share similar properties, this is considered a conservative amino acid substitution. APC Ile887Val occurs at a position that is highly conserved across species and is located in Ser-rich region with specific function unknown (UniProt). In silico analyses predict that this variant is probably damaging to protein structure and function. Based on currently available information, it is unclear whether APC Ile887Val is pathogenic or benign. We consider it to be a variant of uncertain significance.

Counsyl
Classification: Uncertain significance for Familial adenomatous polyposis 1. Last evaluated: 2018-04-17. Review status: no assertion criteria provided. Collection method: clinical testing. Allele origin: unknown. Not counted in ClinVar's aggregate classification.